The following is an entry in ClinVar:

ClinVar aggregate classification (germline): Uncertain significance (1 of 4 stars; one submission).

Submission:

GeneDx
Classification: Uncertain significance. Last evaluated: 2024-05-29. Review status: criteria provided, single submitter. Criteria: GeneDx Variant Classification Process June 2021. Collection method: clinical testing. Allele origin: germline. Affected: yes.
Comment: Not observed at significant frequency in large population cohorts (gnomAD); In silico analysis supports that this missense variant has a deleterious effect on protein structure/function; Has not been previously published as pathogenic or benign to our knowledge

NM_001136193.2(FASTKD2):c.1636T>C (p.Cys546Arg)

Gene: FASTKD2 (FAST kinase domains 2; plus strand). Cytogenetic location: 2q33.3.
Variant type: single nucleotide variant.
Coding change: c.1636T>C on transcript NM_001136193.2 (MANE Select); coding-DNA position 1636, T replaced by C.
Protein change: p.Cys546Arg; replaces cysteine 546 with arginine.
Molecular consequence: missense variant.
Genome position (GRCh38, 1-based): chr2:206,787,978, T>C. VCF-style: chr2-206787978-T-C. GRCh37 (hg19) VCF-style: chr2-207652702-T-C.
Other names: c.1636T>C, p.Cys546Arg (NM_001136194.2, NM_014929.4); short protein forms C546R.
Identifiers: ClinVar variation 3383750 (VCV003383750.1).